The following is an entry in ClinVar:

ClinVar aggregate classification (germline): Uncertain significance (1 of 4 stars; one submission).

Allele frequency attached by ClinVar (database versions not stated): gnomAD exomes 0.00001; TOPMed 0.00001.
gnomAD v4.1: 12 of 1,614,188 alleles (0.00074%); highest among the groups gnomAD compares: Non-Finnish European, 0.001%; no homozygotes.

Submission:

Labcorp Genetics (formerly Invitae), Labcorp
Classification: Uncertain significance. Last evaluated: 2025-01-13. Review status: criteria provided, single submitter. Criteria: Invitae Variant Classification Sherloc (09022015). Collection method: clinical testing. Allele origin: germline.
Comment: This sequence change replaces threonine, which is neutral and polar, with isoleucine, which is neutral and non-polar, at codon 480 of the JAK1 protein (p.Thr480Ile). This variant is not present in population databases (gnomAD no frequency). This variant has not been reported in the literature in individuals affected with JAK1-related conditions. ClinVar contains an entry for this variant (Variation ID: 1954140). Invitae Evidence Modeling of protein sequence and biophysical properties (such as structural, functional, and spatial information, amino acid conservation, physicochemical variation, residue mobility, and thermodynamic stability) indicates that this missense variant is not expected to disrupt JAK1 protein function with a negative predictive value of 80%. In summary, the available evidence is currently insufficient to determine the role of this variant in disease. Therefore, it has been classified as a Variant of Uncertain Significance.

NM_002227.4(JAK1):c.1439C>T (p.Thr480Ile)

Gene: JAK1 (Janus kinase 1; minus strand). Cytogenetic location: 1p31.3.
Variant type: single nucleotide variant.
Coding change: c.1439C>T on transcript NM_002227.4 (MANE Select); coding-DNA position 1439, C replaced by T.
Protein change: p.Thr480Ile; replaces threonine 480 with isoleucine.
Molecular consequence: missense variant.
Genome position (GRCh38, 1-based): chr1:64,857,675, G>A on the plus strand (C>T on the coding strand, the complement: JAK1 is on the minus strand). VCF-style: chr1-64857675-G-A. GRCh37 (hg19) VCF-style: chr1-65323358-G-A.
Other names: c.1439C>T, p.Thr480Ile (NM_001320923.2, NM_001321852.2, NM_001321853.2 and 4 more transcripts); short protein forms T480I.
Identifiers: ClinVar variation 1954140 (VCV001954140.5), dbSNP rs1193986343, ClinGen allele CA340670417.